The following is an entry in ClinVar:

ClinVar aggregate classification (germline): Uncertain significance (1 of 4 stars; one submission).

Conditions:
Hyperinsulinism-hyperammonemia syndrome (HHF6). Identifiers: Orphanet 35878, MedGen C1847555, MONDO:0011717, OMIM 606762.

Submission:

Labcorp Genetics (formerly Invitae), Labcorp
Classification: Uncertain significance for Hyperinsulinism-hyperammonemia syndrome. Last evaluated: 2025-10-03. Review status: criteria provided, single submitter. Criteria: Invitae Variant Classification Sherloc (09022015). Collection method: clinical testing. Allele origin: germline.
Comment: This sequence change replaces arginine, which is basic and polar, with cysteine, which is neutral and slightly polar, at codon 322 of the GLUD1 protein (p.Arg322Cys). This variant is not present in population databases (gnomAD no frequency). This variant has not been reported in the literature in individuals affected with GLUD1-related conditions. Invitae Evidence Modeling of protein sequence and biophysical properties (such as structural, functional, and spatial information, amino acid conservation, physicochemical variation, residue mobility, and thermodynamic stability) indicates that this missense variant is expected to disrupt GLUD1 protein function with a positive predictive value of 80%. Algorithms developed to predict the effect of sequence changes on RNA splicing suggest that this variant may disrupt the consensus splice site. This variant disrupts the p.Arg322 amino acid residue in GLUD1. Other variant(s) that disrupt this residue have been determined to be pathogenic (PMID: 11214910, 27188453, 30306091). This suggests that this residue is clinically significant, and that variants that disrupt this residue are likely to be disease-causing. In summary, the available evidence is currently insufficient to determine the role of this variant in disease. Therefore, it has been classified as a Variant of Uncertain Significance.

Literature cited by the submitters: PubMed 11214910; PubMed 27188453; PubMed 30306091.

NM_005271.5(GLUD1):c.964C>T (p.Arg322Cys)

Gene: GLUD1 (glutamate dehydrogenase 1; minus strand). Cytogenetic location: 10q23.2.
Variant type: single nucleotide variant.
Coding change: c.964C>T on transcript NM_005271.5 (MANE Select); coding-DNA position 964, C replaced by T.
Protein change: p.Arg322Cys; replaces arginine 322 with cysteine.
Molecular consequence: missense variant.
Genome position (GRCh38, 1-based): chr10:87,061,010, G>A on the plus strand (C>T on the coding strand, the complement: GLUD1 is on the minus strand). VCF-style: chr10-87061010-G-A. GRCh37 (hg19) VCF-style: chr10-88820767-G-A.
Other names: c.565C>T, p.Arg189Cys (NM_001318900.1); c.463C>T, p.Arg155Cys (NM_001318901.1, NM_001318902.1, NM_001318904.2 and 2 more transcripts); short protein forms R155C, R189C, R322C.
Identifiers: ClinVar variation 4709742 (VCV004709742.1).